The following is an entry in ClinVar:

ClinVar aggregate classification (germline): Uncertain significance. Review status: criteria provided, multiple submitters, no conflicts (2 of 4 stars). 2 submissions from 2 submitters: Uncertain significance (2). Last evaluated 2024-05-02.

Conditions:
Rhabdoid tumor predisposition syndrome 2 (RTPS2). Identifiers: Orphanet 231108, Orphanet 69077, MedGen C2750074, MONDO:0013224, OMIM 613325.
Hereditary cancer-predisposing syndrome. Also called: Neoplastic Syndromes, Hereditary; Tumor predisposition; Hereditary Cancer Syndrome; Hereditary neoplastic syndrome. Identifiers: Orphanet 140162, MedGen C0027672, MeSH D009386, MONDO:0015356.

Allele frequency attached by ClinVar (database versions not stated): gnomAD 0.00001.
gnomAD v4.1: 1 of 1,613,360 alleles (0.000062%); highest among the groups gnomAD compares: Non-Finnish European, 0.000085%; no homozygotes.

Submissions (2):

Ambry Genetics
Classification: Uncertain significance for Hereditary cancer-predisposing syndrome. Last evaluated: 2024-05-02. Review status: criteria provided, single submitter. Criteria: Ambry Variant Classification Scheme 2023. Collection method: clinical testing. Allele origin: germline.
Comment: The p.E670G variant (also known as c.2009A>G), located in coding exon 13 of the SMARCA4 gene, results from an A to G substitution at nucleotide position 2009. The glutamic acid at codon 670 is replaced by glycine, an amino acid with similar properties. This amino acid position is well conserved in available vertebrate species. In addition, this alteration is predicted to be tolerated by in silico analysis. Missense and in-frame variants in SMARCA4 are known to cause neurodevelopmental disorders; however, such associations with rhabdoid tumor predisposition syndrome including small cell carcinoma of the ovary-hypercalcemic type (SCCOHT) are exceedingly rare (Kosho T et al. Am J Med Genet C Semin Med Genet. 2014 Sep;166C(3):262-75; Jelinic P et al. Nat Genet. 2014 May;46(5):424-6). Based on the supporting evidence, the association of this alteration with Coffin-Siris syndrome is unknown; however, the association of this alteration with rhabdoid tumor predisposition syndrome is unlikely.

Labcorp Genetics (formerly Invitae), Labcorp
Classification: Uncertain significance for Rhabdoid tumor predisposition syndrome 2. Last evaluated: 2024-04-22. Review status: criteria provided, single submitter. Criteria: Invitae Variant Classification Sherloc (09022015). Collection method: clinical testing. Allele origin: germline.
Comment: This sequence change replaces glutamic acid, which is acidic and polar, with glycine, which is neutral and non-polar, at codon 670 of the SMARCA4 protein (p.Glu670Gly). This variant is present in population databases (no rsID available, gnomAD 0.007%). This variant has not been reported in the literature in individuals affected with SMARCA4-related conditions. ClinVar contains an entry for this variant (Variation ID: 1784365). Advanced modeling of protein sequence and biophysical properties (such as structural, functional, and spatial information, amino acid conservation, physicochemical variation, residue mobility, and thermodynamic stability) performed at Invitae indicates that this missense variant is not expected to disrupt SMARCA4 protein function with a negative predictive value of 95%. In summary, the available evidence is currently insufficient to determine the role of this variant in disease. Therefore, it has been classified as a Variant of Uncertain Significance.

NM_003072.5(SMARCA4):c.2009A>G (p.Glu670Gly)

Gene: SMARCA4 (SWI/SNF related BAF chromatin remodeling complex subunit ATPase 4; plus strand). Cytogenetic location: 19p13.2.
Variant type: single nucleotide variant.
Coding change: c.2009A>G on transcript NM_003072.5 (MANE Select); coding-DNA position 2009, A replaced by G.
Protein change: p.Glu670Gly; replaces glutamic acid 670 with glycine.
Molecular consequence: missense variant. On other transcripts: non-coding transcript variant (1).
Genome position (GRCh38, 1-based): chr19:11,007,909, A>G. VCF-style: chr19-11007909-A-G. GRCh37 (hg19) VCF-style: chr19-11118585-A-G.
Other names: c.2009A>G, p.Glu670Gly (NM_001128844.3, NM_001128845.2, NM_001128846.2 and 6 more transcripts); short protein forms E670G.
Identifiers: ClinVar variation 1784365 (VCV001784365.5), dbSNP rs1267778216, ClinGen allele CA404052378.
Genomic context (GRCh38, chr19:11,007,909, plus strand): 5'-GTCCCCCCTCTCTGGGGGATGAACTGAGGTGACATGGGCTTGTCTCTTGGTAGGAGGAGG[A>G]GGAAGAGCAGCCGCAGGCAGCACAGCCTCCCACCCTGCCCGTGGAGGAGAAGAAGAAGAT-3'
Protein context (NP_003063.2, residues 660-680): SGSEEEEEEE[Glu670Gly]EEQPQAAQPP